The following is an entry in ClinVar:

ClinVar aggregate classification (germline): Pathogenic (1 of 4 stars; one submission).

Submission:

GeneDx
Classification: Pathogenic. Last evaluated: 2020-10-19. Review status: criteria provided, single submitter. Criteria: GeneDx Variant Classification Process June 2021. Collection method: clinical testing. Allele origin: germline. Affected: yes.
Comment: Frameshift variant predicted to result in protein truncation or nonsense mediated decay in a gene for which loss-of-function is a known mechanism of disease; Not observed in large population cohorts (Lek et al., 2016); Has not been previously published as pathogenic or benign to our knowledge

NM_001278116.2(L1CAM):c.1028_1032dup (p.Gly345fs)

Gene: L1CAM (L1 cell adhesion molecule; minus strand). Cytogenetic location: Xq28.
Variant type: Duplication.
Coding change: c.1028_1032dup on transcript NM_001278116.2 (MANE Select); coding-DNA positions 1028 to 1032, 5 bases duplicated (TATAT; older notation c.1028_1032dupTATAT).
Protein change: p.Gly345fs; shifts the reading frame from glycine 345.
Molecular consequence: frameshift variant.
Genome position (GRCh38, 1-based): chrX:153,869,894-153,869,898, ATATA duplicated on the plus strand (TATAT on the coding strand, the reverse complement: L1CAM is on the minus strand). VCF-style (leftmost placement, unchanged base first): chrX-153869893-C-CATATA. GRCh37 (hg19) VCF-style: chrX-153135348-C-CATATA.
Other names: c.1028_1032dup, p.Gly345fs (NM_000425.5, NM_024003.3); c.1013_1017dup, p.Gly340fs (NM_001143963.2); c.1028_1032dupTATAT (NM_000425.3); short protein forms G345fs, G340fs.
Identifiers: ClinVar variation 420891 (VCV000420891.3), dbSNP rs1557092418, ClinGen allele CA16621235.